The following is an entry in ClinVar:

ClinVar aggregate classification (germline): Uncertain significance. Review status: criteria provided, multiple submitters, no conflicts (2 of 4 stars). 2 submissions from 2 submitters: Uncertain significance (2). Last evaluated 2025-10-07.

Conditions:
Familial hemophagocytic lymphohistiocytosis 3 (FHL3). Also called: UNC13D-Related Familial Hemophagocytic Lymphohistiocytosis (UNC13D-fHLH). Identifiers: Orphanet 540, MedGen C1837174, MONDO:0012146, OMIM 608898.
Inborn genetic diseases. Identifiers: MedGen C0950123, MeSH D030342.

gnomAD v4.1: 10 of 1,613,678 alleles (0.00062%); highest among the groups gnomAD compares: African/African-American, 0.0013%; no homozygotes.

Submissions (2):

Ambry Genetics
Classification: Uncertain significance for Inborn genetic diseases. Last evaluated: 2025-10-07. Review status: criteria provided, single submitter. Criteria: Ambry Variant Classification Scheme 2023. Collection method: clinical testing. Allele origin: germline.

Labcorp Genetics (formerly Invitae), Labcorp
Classification: Uncertain significance for Familial hemophagocytic lymphohistiocytosis 3. Last evaluated: 2022-07-28. Review status: criteria provided, single submitter. Criteria: Invitae Variant Classification Sherloc (09022015). Collection method: clinical testing. Allele origin: germline.
Comment: This sequence change replaces leucine, which is neutral and non-polar, with valine, which is neutral and non-polar, at codon 419 of the UNC13D protein (p.Leu419Val). This variant is not present in population databases (gnomAD no frequency). This variant has not been reported in the literature in individuals affected with UNC13D-related conditions. Algorithms developed to predict the effect of missense changes on protein structure and function are either unavailable or do not agree on the potential impact of this missense change (SIFT: "Not Available"; PolyPhen-2: "Possibly Damaging"; Align-GVGD: "Not Available"). In summary, the available evidence is currently insufficient to determine the role of this variant in disease. Therefore, it has been classified as a Variant of Uncertain Significance.

NM_199242.3(UNC13D):c.1255C>G (p.Leu419Val)

Gene: UNC13D (unc-13 homolog D; minus strand). Cytogenetic location: 17q25.1.
Variant type: single nucleotide variant.
Coding change: c.1255C>G on transcript NM_199242.3 (MANE Select); coding-DNA position 1255, C replaced by G.
Protein change: p.Leu419Val; replaces leucine 419 with valine.
Molecular consequence: missense variant.
Genome position (GRCh38, 1-based): chr17:75,836,615, G>C on the plus strand (C>G on the coding strand, the complement: UNC13D is on the minus strand). VCF-style: chr17-75836615-G-C. GRCh37 (hg19) VCF-style: chr17-73832696-G-C.
Other names: short protein forms L419V.
Identifiers: ClinVar variation 1947432 (VCV001947432.3), dbSNP rs746314361, ClinGen allele CA401100679.
Genomic context (GRCh38, chr17:75,836,615, plus strand): 5'-GGAAGGCAGCCACTGACCTGAGAAGAGACTGCAGCCGGGCTGGGGAGTCCGAGACAGAGA[G>C]GGGGAAGACAGAGCGGAACCTCCGGATGAGGGAGAGGCCGTAGGTCAGCAGGGAGCTGAA-3'
Protein context (NP_954712.1, residues 409-429): LIRRFRSVFP[Leu419Val]SVSDSPARLQ